The following is an entry in ClinVar:

NM_005502.4(ABCA1):c.1685A>G (p.Asn562Ser)

Gene: ABCA1 (ATP binding cassette subfamily A member 1; minus strand). Cytogenetic location: 9q31.1.
Variant type: single nucleotide variant.
Coding change: c.1685A>G on transcript NM_005502.4 (MANE Select); coding-DNA position 1685, A replaced by G.
Protein change: p.Asn562Ser; replaces asparagine 562 with serine.
Molecular consequence: missense variant.
Genome position (GRCh38, 1-based): chr9:104,831,652, T>C on the plus strand (A>G on the coding strand, the complement: ABCA1 is on the minus strand). VCF-style: chr9-104831652-T-C. GRCh37 (hg19) VCF-style: chr9-107593933-T-C.
Other names: short protein forms N562S.
Identifiers: ClinVar variation 1777981 (VCV001777981.2), dbSNP rs757642177, ClinGen allele CA5168954.
Genomic context (GRCh38, chr9:104,831,652, plus strand): 5'-ACCAGGCTGGTGTGATGGGATTCCACTTACCCATCCTTGATTTTATTTGTCCTCTCCACA[T>C]TGTCAATGTCCATTCGGATCTTGTACTTGACATGATGGGGCAGCTCAATGCTGCCTGGAG-3'
Protein context (NP_005493.2, residues 552-572): VKYKIRMDID[Asn562Ser]VERTNKIKDG

ClinVar aggregate classification (germline): Uncertain significance (1 of 4 stars; one submission).

Conditions:
Cardiovascular phenotype. Identifiers: MedGen CN230736.

Allele frequency attached by ClinVar (database versions not stated): ExAC 0.00001; gnomAD 0.00001; gnomAD exomes 0.00001; TOPMed 0.00004.
gnomAD v4.1: 6 of 1,614,054 alleles (0.00037%); highest among the groups gnomAD compares: African/African-American, 0.008%; no homozygotes.

Submission:

Ambry Genetics
Classification: Uncertain significance for Cardiovascular phenotype. Last evaluated: 2021-07-01. Review status: criteria provided, single submitter. Criteria: Ambry Variant Classification Scheme 2023. Collection method: clinical testing. Allele origin: germline.
Comment: The p.N562S variant (also known as c.1685A>G), located in coding exon 12 of the ABCA1 gene, results from an A to G substitution at nucleotide position 1685. The asparagine at codon 562 is replaced by serine, an amino acid with highly similar properties. This amino acid position is conserved. In addition, this alteration is predicted to be tolerated by in silico analysis. Since supporting evidence is limited at this time, the clinical significance of this alteration remains unclear.